The following is an entry in ClinVar:

NM_018238.4(AGK):c.1077C>T (p.His359=)

Gene: AGK (acylglycerol kinase; plus strand). Cytogenetic location: 7q34.
Variant type: single nucleotide variant.
Coding change: c.1077C>T on transcript NM_018238.4 (MANE Select); coding-DNA position 1077, C replaced by T.
Protein change: p.His359=; no amino-acid change (histidine 359 retained).
Molecular consequence: synonymous variant.
Genome position (GRCh38, 1-based): chr7:141,651,555, C>T. VCF-style: chr7-141651555-C-T. GRCh37 (hg19) VCF-style: chr7-141351355-C-T.
Other names: c.1077C>T (NM_018238.3).
Identifiers: ClinVar variation 1879702 (VCV001879702.35), dbSNP rs573580414, ClinGen allele CA4517670.
Genomic context (GRCh38, chr7:141,651,555, plus strand): 5'-TCTTAAGCTTGCTTTTTCCTGTGCTCACAGAAGTCGAAAGGTGAGAAACCCCAAGCTGCA[C>T]GTGGAGGGCACGGAGTGTCTCCAAGCCAGCCAGTGCACTTTGCTTATCCCGGAGGTGAGT-3'
Protein context (NP_060708.1, residues 349-369): GSRKVRNPKL[His359=]VEGTECLQAS

ClinVar aggregate classification (germline): Likely benign. Review status: criteria provided, multiple submitters, no conflicts (2 of 4 stars). 3 submissions from 3 submitters: Likely benign (2). 1 of the submissions does not count toward it. Last evaluated 2025-12-22.

Conditions:
Cataract 38. Also called: Cataract, autosomal recessive congenital 5; Cataract 38, autosomal recessive. Identifiers: Orphanet 91492, MedGen C3553494, MONDO:0013859, OMIM 614691.
Sengers syndrome. Also called: MITOCHONDRIAL DNA DEPLETION SYNDROME 10 (CARDIOMYOPATHIC TYPE); Cardiomyopathy and cataract. Identifiers: Orphanet 1369, MedGen C1859317, MONDO:0008922, OMIM 212350.
AGK-related disorder. Also called: AGK-related condition; AGK-related disorders. Identifiers: MedGen CN239194.

Allele frequency attached by ClinVar (database versions not stated): ExAC 0.00002; gnomAD 0.00003; TOPMed 0.00003.
gnomAD v4.1: 20 of 1,614,204 alleles (0.0012%); highest among the groups gnomAD compares: African/African-American, 0.011%; no homozygotes.

Submissions (3):

Labcorp Genetics (formerly Invitae), Labcorp
Classification: Likely benign for Sengers syndrome; Cataract 38. Last evaluated: 2025-12-22. Review status: criteria provided, single submitter. Criteria: Invitae Variant Classification Sherloc (09022015). Collection method: clinical testing. Allele origin: germline.

CeGaT Center for Human Genetics Tuebingen
Classification: Likely benign. Last evaluated: 2025-09-01. Review status: criteria provided, single submitter. Criteria: CeGaT Center For Human Genetics Tuebingen Variant Classification Criteria Version 2. Collection method: clinical testing. Allele origin: germline. Affected: yes. Observed: 2 variant alleles.
Comment: AGK: BP4, BP7

PreventionGenetics, part of Exact Sciences
Classification: Likely benign for AGK-related condition. Last evaluated: 2019-12-09. Review status: no assertion criteria provided. Collection method: clinical testing. Allele origin: germline. Not counted in ClinVar's aggregate classification.
Comment: This variant is classified as likely benign based on ACMG/AMP sequence variant interpretation guidelines (Richards et al. 2015 PMID: 25741868, with internal and published modifications).